The following is an entry in ClinVar:

NM_000052.7(ATP7A):c.2045_2046del (p.His682fs)

Gene: ATP7A (ATPase copper transporting alpha; plus strand). Cytogenetic location: Xq21.1.
Variant type: Deletion.
Coding change: c.2045_2046del on transcript NM_000052.7 (MANE Select); coding-DNA positions 2045 to 2046, 2 bases deleted (AC; older notation c.2045_2046delAC).
Protein change: p.His682fs; shifts the reading frame from histidine 682.
Molecular consequence: frameshift variant.
Genome position (GRCh38, 1-based): chrX:78,011,547-78,011,548, AC deleted; deleting any 2 consecutive bases within chrX:78,011,546-78,011,548 gives the same sequence; the c. name uses the placement nearest the transcript's 3' end. VCF-style (leftmost placement, unchanged base first): chrX-78011545-TCA-T. GRCh37 (hg19) VCF-style: chrX-77267042-TCA-T.
Other names: c.2045_2046del, p.His682fs (NM_001282224.2); short protein forms H682fs.
Identifiers: ClinVar variation 1724717 (VCV001724717.3), dbSNP rs2522350105, ClinGen allele CA2580101490.

ClinVar aggregate classification (germline): Likely pathogenic (1 of 4 stars; one submission).

Conditions:
Menkes kinky-hair syndrome (MNK). Also called: Copper transport disease; Classic Menkes Disease; Menkes Disease. Identifiers: Orphanet 565, MedGen C0022716, MONDO:0010651, OMIM 309400.

Submission:

Myriad Genetics, Inc.
Classification: Likely pathogenic for Menkes kinky-hair syndrome. Last evaluated: 2022-02-25. Review status: criteria provided, single submitter. Criteria: Myriad Autosomal Dominant, Autosomal Recessive and X-Linked Classification Criteria (2023). Collection method: clinical testing. Allele origin: unknown.
Comment: NM_000052.5(ATP7A):c.2045_2046delAC(H682Pfs*2) is expected to be pathogenic in the context of ATP7A-related disorders. This variant is predicted to lead to an abnormal or absent protein product due to the creation of a premature termination codon in ATP7A, a gene where loss-of-function variants are known to be pathogenic. Please note: this variant was assessed in the context of healthy population screening.